The following is an entry in ClinVar:

NM_006393.3(NEBL):c.590A>G (p.Tyr197Cys)

Gene: NEBL (nebulette; minus strand). Cytogenetic location: 10p12.31.
Variant type: single nucleotide variant.
Coding change: c.590A>G on transcript NM_006393.3 (MANE Select); coding-DNA position 590, A replaced by G.
Protein change: p.Tyr197Cys; replaces tyrosine 197 with cysteine.
Molecular consequence: missense variant. On other transcripts: intron variant (9).
Genome position (GRCh38, 1-based): chr10:20,868,758, T>C on the plus strand (A>G on the coding strand, the complement: NEBL is on the minus strand). VCF-style: chr10-20868758-T-C. GRCh37 (hg19) VCF-style: chr10-21157687-T-C.
Other names: c.250-55818A>G (NM_001377326.1, NM_001377327.1, NM_001377328.1); c.358-55818A>G (NM_213569.2, NM_001173484.2, NM_001377322.1); c.301-55818A>G (NM_001377324.1); c.292-55818A>G (NM_001377325.1); c.310-55818A>G (NM_001377323.1); short protein forms Y197C.
Identifiers: ClinVar variation 2850088 (VCV002850088.3), dbSNP rs1564402916, ClinGen allele CA376103311.

ClinVar aggregate classification (germline): Uncertain significance (1 of 4 stars; one submission).

Conditions:
Primary dilated cardiomyopathy (DCM). Also called: Dilated Cardiomyopathy. Identifiers: Orphanet 217604, MedGen C0007193, MeSH D002311, MONDO:0005021, HP:0001644. Inheritance: Various modes of inheritance.

Allele frequency attached by ClinVar (database versions not stated): gnomAD exomes below 0.00001.
gnomAD v4.1: 1 of 1,599,674 alleles (0.000063%); highest among the groups gnomAD compares: Middle Eastern, 0.017%; no homozygotes.

Submission:

Labcorp Genetics (formerly Invitae), Labcorp
Classification: Uncertain significance for Primary dilated cardiomyopathy. Last evaluated: 2023-03-27. Review status: criteria provided, single submitter. Criteria: Invitae Variant Classification Sherloc (09022015). Collection method: clinical testing. Allele origin: germline.
Comment: This sequence change replaces tyrosine, which is neutral and polar, with cysteine, which is neutral and slightly polar, at codon 197 of the NEBL protein (p.Tyr197Cys). In summary, the available evidence is currently insufficient to determine the role of this variant in disease. Therefore, it has been classified as a Variant of Uncertain Significance. An algorithm developed to predict the effect of missense changes on protein structure and function (PolyPhen-2) suggests that this variant is likely to be disruptive. This variant has not been reported in the literature in individuals affected with NEBL-related conditions. This variant is not present in population databases (gnomAD no frequency).